The following is an entry in ClinVar:

NM_004637.6(RAB7A):c.603G>A (p.Ser201=)

Genes: RAB7A (RAB7A, member RAS oncogene family; plus strand), LOC112872299 (Sharpr-MPRA regulatory region 6458; plus strand). Cytogenetic location: 3q21.3.
Variant type: single nucleotide variant.
Coding change: c.603G>A on transcript NM_004637.6 (MANE Select); coding-DNA position 603, G replaced by A.
Protein change: p.Ser201=; no amino-acid change (serine 201 retained).
Molecular consequence: synonymous variant.
Genome position (GRCh38, 1-based): chr3:128,813,401, G>A. VCF-style: chr3-128813401-G-A. GRCh37 (hg19) VCF-style: chr3-128532244-G-A.
Identifiers: ClinVar variation 704349 (VCV000704349.11), dbSNP rs61748098, ClinGen allele CA2600890.

ClinVar aggregate classification (germline): Benign/Likely benign. Review status: criteria provided, multiple submitters, no conflicts (2 of 4 stars). 3 submissions from 3 submitters: Benign (1); Likely benign (2). Last evaluated 2025-09-17.

Conditions:
Inborn genetic diseases. Identifiers: MedGen C0950123, MeSH D030342.
Charcot-Marie-Tooth disease type 2B (CMT2B). Also called: Charcot-Marie-Tooth Neuropathy Type 2B; CHARCOT-MARIE-TOOTH DISEASE, AUTOSOMAL DOMINANT, TYPE 2B; HEREDITARY MOTOR AND SENSORY NEUROPATHY IIB; CHARCOT-MARIE-TOOTH DISEASE, AXONAL, TYPE 2B. Identifiers: Orphanet 99936, MedGen C1833219, MONDO:0010949, OMIM 600882.

Allele frequency attached by ClinVar (database versions not stated): gnomAD exomes 0.00004 and 0.00006; ExAC 0.00006; gnomAD 0.00011; TOPMed 0.00012; ESP Exome Variant Server 0.00015; 1000 Genomes Project 30x 0.00016; 1000 Genomes Project 0.00020.
gnomAD v4.1: 76 of 1,614,138 alleles (0.0047%); highest among the groups gnomAD compares: African/African-American, 0.017%; no homozygotes.

Submissions (3):

Athena Diagnostics
Classification: Benign. Last evaluated: 2025-09-17. Review status: criteria provided, single submitter. Criteria: Athena Diagnostics Criteria. Collection method: clinical testing. Allele origin: unknown.
Comment: The frequency of this variant in the general population is higher than would generally be expected for pathogenic variants in this gene. Computational tools yielded predictions that this variant is unlikely to have an effect on normal RNA splicing. This nucleotide position exhibits low evolutionary conservation.

Ambry Genetics
Classification: Likely benign for Inborn genetic diseases. Last evaluated: 2024-01-02. Review status: criteria provided, single submitter. Criteria: Ambry Variant Classification Scheme 2023. Collection method: clinical testing. Allele origin: germline.

Labcorp Genetics (formerly Invitae), Labcorp
Classification: Likely benign for Charcot-Marie-Tooth disease type 2B. Last evaluated: 2023-08-11. Review status: criteria provided, single submitter. Criteria: Invitae Variant Classification Sherloc (09022015). Collection method: clinical testing. Allele origin: germline.